The following is an entry in ClinVar:

ClinVar aggregate classification (germline): Conflicting classifications of pathogenicity. Review status: criteria provided, conflicting classifications (1 of 4 stars). 3 submissions from 3 submitters: Uncertain significance (1); Likely benign (1). 1 of the submissions does not count toward it. Last evaluated 2024-10-23.

Conditions:
Retinal dystrophy. Also called: Inherited retinal dystrophy. Identifiers: Orphanet 71862, MedGen C0854723, MeSH D058499, MONDO:0019118, HP:0000556.

Allele frequency attached by ClinVar (database versions not stated): gnomAD 0.00004 and 0.00005; TOPMed 0.00004; gnomAD exomes 0.00007 and 0.00014; ExAC 0.00015; ESP Exome Variant Server 0.00015.
gnomAD v4.1: 111 of 1,613,978 alleles (0.0069%); highest among the groups gnomAD compares: South Asian, 0.059%; 3 homozygotes.

Submissions (3):

Labcorp Genetics (formerly Invitae), Labcorp
Classification: Uncertain significance. Last evaluated: 2024-10-23. Review status: criteria provided, single submitter. Criteria: Invitae Variant Classification Sherloc (09022015). Collection method: clinical testing. Allele origin: germline.
Comment: This sequence change replaces alanine, which is neutral and non-polar, with valine, which is neutral and non-polar, at codon 1037 of the LAMA1 protein (p.Ala1037Val). This variant is present in population databases (rs149260074, gnomAD 0.06%). This variant has not been reported in the literature in individuals affected with LAMA1-related conditions. ClinVar contains an entry for this variant (Variation ID: 1421245). Invitae Evidence Modeling of protein sequence and biophysical properties (such as structural, functional, and spatial information, amino acid conservation, physicochemical variation, residue mobility, and thermodynamic stability) indicates that this missense variant is not expected to disrupt LAMA1 protein function with a negative predictive value of 80%. In summary, the available evidence is currently insufficient to determine the role of this variant in disease. Therefore, it has been classified as a Variant of Uncertain Significance.

Blueprint Genetics
Classification: Likely benign. Last evaluated: 2024-09-05. Review status: criteria provided, single submitter. Criteria: ACMG Guidelines, 2015. Collection method: clinical testing. Allele origin: germline.

Institute of Human Genetics, Univ. Regensburg, Univ. Regensburg
Classification: Uncertain significance for Retinal dystrophy. Last evaluated: 2023-01-01. Review status: no assertion criteria provided. Criteria: ACMG Guidelines, 2015. Collection method: clinical testing. Allele origin: germline. Affected: yes. Not counted in ClinVar's aggregate classification.

NM_005559.4(LAMA1):c.3110C>T (p.Ala1037Val)

Gene: LAMA1 (laminin subunit alpha 1; minus strand). Cytogenetic location: 18p11.31.
Variant type: single nucleotide variant.
Coding change: c.3110C>T on transcript NM_005559.4 (MANE Select); coding-DNA position 3110, C replaced by T.
Protein change: p.Ala1037Val; replaces alanine 1037 with valine.
Molecular consequence: missense variant.
Genome position (GRCh38, 1-based): chr18:7,015,738, G>A on the plus strand (C>T on the coding strand, the complement: LAMA1 is on the minus strand). VCF-style: chr18-7015738-G-A. GRCh37 (hg19) VCF-style: chr18-7015737-G-A.
Other names: short protein forms A1037V.
Identifiers: ClinVar variation 1421245 (VCV001421245.8), dbSNP rs149260074, ClinGen allele CA8882401.